The following is an entry in ClinVar:

NM_000384.3(APOB):c.2312C>T (p.Pro771Leu)

Gene: APOB (apolipoprotein B; minus strand). Cytogenetic location: 2p24.1.
Variant type: single nucleotide variant.
Coding change: c.2312C>T on transcript NM_000384.3 (MANE Select); coding-DNA position 2312, C replaced by T.
Protein change: p.Pro771Leu; replaces proline 771 with leucine.
Molecular consequence: missense variant.
Genome position (GRCh38, 1-based): chr2:21,025,057, G>A on the plus strand (C>T on the coding strand, the complement: APOB is on the minus strand). VCF-style: chr2-21025057-G-A. GRCh37 (hg19) VCF-style: chr2-21247929-G-A.
Other names: short protein forms P771L.
Identifiers: ClinVar variation 950992 (VCV000950992.15), dbSNP rs200524554, ClinGen allele CA055839.

ClinVar aggregate classification (germline): Conflicting classifications of pathogenicity. Review status: criteria provided, conflicting classifications (1 of 4 stars). 6 submissions from 6 submitters: Uncertain significance (5); Benign (1). Last evaluated 2026-05-19.

Conditions:
Cardiovascular phenotype. Identifiers: MedGen CN230736.
Familial hypobetalipoproteinemia 1. Also called: APOB-Related Familial Hypobetalipoproteinemia; Hypobetalipoproteinemia, normotriglyceridemic; Acanthocytosis with hypobetalipoproteinemia. Identifiers: MedGen C4551990, MONDO:0014252, OMIM 615558.
Hypercholesterolemia, autosomal dominant, type B (FHCL2). Also called: Hyperlipoproteinemia Type IIb; Familial Hypercholesterolemia Type B; APOLIPOPROTEIN B-100, FAMILIAL DEFECTIVE; APOLIPOPROTEIN B-100, FAMILIAL LIGAND-DEFECTIVE; Familial hypercholesterolemia 2; HYPERCHOLESTEROLEMIA, FAMILIAL, DUE TO LIGAND-DEFECTIVE APOLIPOPROTEIN B. Identifiers: MedGen C1704417, MONDO:0007751, OMIM 144010.
APOB-related disorder. Also called: APOB-related condition; APOB-related disorders.

Allele frequency attached by ClinVar (database versions not stated): gnomAD exomes 0.00001 and 0.00002; ExAC 0.00004; gnomAD 0.00007; TOPMed 0.00007; 1000 Genomes Project 0.00020; 1000 Genomes Project 30x 0.00031.
gnomAD v4.1: 24 of 1,614,174 alleles (0.0015%); highest among the groups gnomAD compares: Middle Eastern, 0.049%; no homozygotes.

Submissions (6):

PreventionGenetics, part of Exact Sciences
Classification: Uncertain significance for APOB-related condition. Last evaluated: 2026-05-19. Review status: criteria provided, single submitter. Criteria: ACMG Guidelines, 2015. Collection method: clinical testing. Allele origin: germline.
Comment: The APOB c.2312C>T variant is predicted to result in the amino acid substitution p.Pro771Leu. To our knowledge, this variant has not been reported in the literature. This variant is reported in 0.016% of alleles in individuals of African descent in gnomAD. At this time, the clinical significance of this variant is uncertain due to the absence of conclusive functional and genetic evidence.

Labcorp Genetics (formerly Invitae), Labcorp
Classification: Benign for Familial hypobetalipoproteinemia 1; Hypercholesterolemia, autosomal dominant, type B. Last evaluated: 2025-11-01. Review status: criteria provided, single submitter. Criteria: Invitae Variant Classification Sherloc (09022015). Collection method: clinical testing. Allele origin: germline.

Ambry Genetics
Classification: Uncertain significance for Cardiovascular phenotype. Last evaluated: 2025-04-05. Review status: criteria provided, single submitter. Criteria: Ambry Variant Classification Scheme 2023. Collection method: clinical testing. Allele origin: germline.
Comment: The p.P771L variant (also known as c.2312C>T), located in coding exon 16 of the APOB gene, results from a C to T substitution at nucleotide position 2312. The proline at codon 771 is replaced by leucine, an amino acid with similar properties. This amino acid position is highly conserved in available vertebrate species. In addition, the in silico prediction for this alteration is inconclusive. Since supporting evidence is limited at this time, the clinical significance of this alteration remains unclear.

GeneDx
Classification: Uncertain significance. Last evaluated: 2023-09-06. Review status: criteria provided, single submitter. Criteria: GeneDx Variant Classification Process June 2021. Collection method: clinical testing. Allele origin: germline. Affected: yes.
Comment: Has not been previously published as pathogenic or benign to our knowledge; In silico analysis supports that this missense variant has a deleterious effect on protein structure/function

Fulgent Genetics
Classification: Uncertain significance for Hypercholesterolemia, autosomal dominant, type B; Familial hypobetalipoproteinemia 1. Last evaluated: 2021-08-03. Review status: criteria provided, single submitter. Criteria: ACMG Guidelines, 2015. Collection method: clinical testing. Allele origin: unknown.

Institute of Human Genetics, University of Leipzig Medical Center
Classification: Uncertain significance for Hypercholesterolemia, autosomal dominant, type B. Last evaluated: 2019-01-01. Review status: criteria provided, single submitter. Criteria: ACMG Guidelines, 2015. Collection method: clinical testing. Allele origin: unknown. Affected: yes.